The following is an entry in ClinVar:

ClinVar aggregate classification (germline): Uncertain significance (1 of 4 stars; one submission).

Conditions:
Brachyolmia-amelogenesis imperfecta syndrome. Also called: PLATYSPONDYLY WITH AMELOGENESIS IMPERFECTA; Tooth agenesis, selective, 6; Dental anomalies and short stature. Identifiers: Orphanet 2899, MedGen C1832594, MONDO:0011018, OMIM 601216. Disease mechanism: loss of function.

Submission:

Labcorp Genetics (formerly Invitae), Labcorp
Classification: Uncertain significance for Brachyolmia-amelogenesis imperfecta syndrome. Last evaluated: 2022-08-02. Review status: criteria provided, single submitter. Criteria: Invitae Variant Classification Sherloc (09022015). Collection method: clinical testing. Allele origin: germline.
Comment: This sequence change replaces alanine, which is neutral and non-polar, with serine, which is neutral and polar, at codon 238 of the LTBP3 protein (p.Ala238Ser). This variant is not present in population databases (gnomAD no frequency). This variant has not been reported in the literature in individuals affected with LTBP3-related conditions. Algorithms developed to predict the effect of missense changes on protein structure and function are either unavailable or do not agree on the potential impact of this missense change (SIFT: "Tolerated"; PolyPhen-2: "Possibly Damaging"; Align-GVGD: "Class C0"). In summary, the available evidence is currently insufficient to determine the role of this variant in disease. Therefore, it has been classified as a Variant of Uncertain Significance.

NM_001130144.3(LTBP3):c.712G>T (p.Ala238Ser)

Gene: LTBP3 (latent transforming growth factor beta binding protein 3; minus strand). Cytogenetic location: 11q13.1.
Variant type: single nucleotide variant.
Coding change: c.712G>T on transcript NM_001130144.3 (MANE Select); coding-DNA position 712, G replaced by T.
Protein change: p.Ala238Ser; replaces alanine 238 with serine.
Molecular consequence: missense variant.
Genome position (GRCh38, 1-based): chr11:65,553,853, C>A on the plus strand (G>T on the coding strand, the complement: LTBP3 is on the minus strand). VCF-style: chr11-65553853-C-A. GRCh37 (hg19) VCF-style: chr11-65321324-C-A.
Other names: c.361G>T, p.Ala121Ser (NM_001164266.1); c.712G>T, p.Ala238Ser (NM_021070.4); short protein forms A121S, A238S.
Identifiers: ClinVar variation 1713376 (VCV001713376.6), dbSNP rs1241393064, ClinGen allele CA381275980.